The following is an entry in ClinVar:

ClinVar aggregate classification (germline): Likely benign. Review status: criteria provided, multiple submitters, no conflicts (2 of 4 stars). 3 submissions from 3 submitters: Likely benign (3). Last evaluated 2026-05-02.

Conditions:
Supravalvar aortic stenosis (SVAS). Also called: Supravalvar aortic stenosis, Eisenberg type. Identifiers: Orphanet 3193, MedGen C0003499, MONDO:0008504, OMIM 185500, HP:0004381.
ELN-related disorder.

Allele frequency attached by ClinVar (database versions not stated): gnomAD exomes 0.00003 and 0.00004; TOPMed 0.00003; gnomAD 0.00004; ExAC 0.00005.
gnomAD v4.1: 66 of 1,546,286 alleles (0.0043%); highest among the groups gnomAD compares: Non-Finnish European, 0.0054%; no homozygotes.

Submissions (3):

PreventionGenetics, part of Exact Sciences
Classification: Likely benign for ELN-related condition. Last evaluated: 2026-05-02. Review status: criteria provided, single submitter. Criteria: ACMG Guidelines, 2015. Collection method: clinical testing. Allele origin: germline.
Comment: This variant is classified as likely benign based on ACMG/AMP sequence variant interpretation guidelines (Richards et al. 2015 PMID: 25741868, with internal and published modifications).

Labcorp Genetics (formerly Invitae), Labcorp
Classification: Likely benign for Supravalvar aortic stenosis. Last evaluated: 2025-08-25. Review status: criteria provided, single submitter. Criteria: Invitae Variant Classification Sherloc (09022015). Collection method: clinical testing. Allele origin: germline.

CeGaT Center for Human Genetics Tuebingen
Classification: Likely benign. Last evaluated: 2021-03-01. Review status: criteria provided, single submitter. Criteria: CeGaT Center For Human Genetics Tuebingen Variant Classification Criteria Version 2. Collection method: clinical testing. Allele origin: germline. Affected: yes. Observed: 1 variant allele.

NM_000501.4(ELN):c.1358-185G>A

Gene: ELN (elastin; plus strand). Cytogenetic location: 7q11.23.
Variant type: single nucleotide variant.
Coding change: c.1358-185G>A on transcript NM_000501.4 (MANE Select); 185 bases into the intron before coding-DNA position 1358, G replaced by A.
Molecular consequence: intron variant. On other transcripts: synonymous variant (1).
Genome position (GRCh38, 1-based): chr7:74,057,455, G>A. VCF-style: chr7-74057455-G-A. GRCh37 (hg19) VCF-style: chr7-73471785-G-A.
Other names: c.1431G>A, p.Thr477= (NM_001278939.2); c.1373-185G>A (NM_001081754.3); c.1372+742G>A (NM_001081753.3); c.1358-185G>A (NM_001278915.2, NM_001278912.2); c.1357+742G>A (NM_001081755.3); c.1315+742G>A (NM_001278916.2); c.1171+742G>A (NM_001278913.2); c.1342+742G>A (NM_001278914.2); and 3 more.
Identifiers: ClinVar variation 524220 (VCV000524220.44), dbSNP rs782737850, ClinGen allele CA4292995.
Genomic context (GRCh38, chr7:74,057,455, plus strand): 5'-AGGAGTGCTGGGTGGGCTAGTGCCAGGTGCCCCAGGCGCAGTCCCAGGTGTGCCGGGCAC[G>A]GGAGGAGTGCCAGGTGAGCTGTGTCTCCAGCCCAGAGATGGGTTTGGTTTGTCTCATGGA-3'